The following is an entry in ClinVar:

NM_005243.4(EWSR1):c.-3A>G

Gene: EWSR1 (EWS RNA binding protein 1; plus strand). Cytogenetic location: 22q12.2.
Variant type: single nucleotide variant.
Coding change: c.-3A>G on transcript NM_005243.4 (MANE Select); 3 bases upstream of the start codon, A replaced by G.
Molecular consequence: 5 prime UTR variant.
Genome position (GRCh38, 1-based): chr22:29,268,334, A>G. VCF-style: chr22-29268334-A-G. GRCh37 (hg19) VCF-style: chr22-29664323-A-G.
Other names: c.-3A>G (NM_001163285.2, NM_001163286.2, NM_001163287.2 and 1 more transcripts).
Identifiers: ClinVar variation 3037416 (VCV003037416.2), dbSNP rs2231392, ClinGen allele CA10171218.

ClinVar aggregate classification (germline): Likely benign (0 of 4 stars; one submission).

Conditions:
EWSR1-related disorder. Also called: EWSR1-related condition.

Allele frequency attached by ClinVar (database versions not stated): gnomAD exomes 0.00006; ExAC 0.00018; ESP Exome Variant Server 0.00077; 1000 Genomes Project 30x 0.00125; 1000 Genomes Project 0.00140; TOPMed 0.00043; gnomAD 0.00044.
gnomAD v4.1: 151 of 1,614,058 alleles (0.0094%); highest among the groups gnomAD compares: African/African-American, 0.16%; no homozygotes.

Submission:

PreventionGenetics, part of Exact Sciences
Classification: Likely benign for EWSR1-related condition. Last evaluated: 2019-05-02. Review status: no assertion criteria provided. Collection method: clinical testing. Allele origin: germline.
Comment: This variant is classified as likely benign based on ACMG/AMP sequence variant interpretation guidelines (Richards et al. 2015 PMID: 25741868, with internal and published modifications).